The following is an entry in ClinVar:

NM_003742.4(ABCB11):c.2106G>C (p.Gln702His)

Gene: ABCB11 (ATP binding cassette subfamily B member 11; minus strand). Cytogenetic location: 2q31.1.
Variant type: single nucleotide variant.
Coding change: c.2106G>C on transcript NM_003742.4 (MANE Select); coding-DNA position 2106, G replaced by C.
Protein change: p.Gln702His; replaces glutamine 702 with histidine.
Molecular consequence: missense variant.
Genome position (GRCh38, 1-based): chr2:168,964,278, C>G on the plus strand (G>C on the coding strand, the complement: ABCB11 is on the minus strand). VCF-style: chr2-168964278-C-G. GRCh37 (hg19) VCF-style: chr2-169820788-C-G.
Other names: short protein forms Q702H.
Identifiers: ClinVar variation 4846133 (VCV004846133.1).

ClinVar aggregate classification (germline): Uncertain significance (1 of 4 stars; one submission).

Conditions:
Familial intrahepatic cholestasis. Identifiers: Orphanet 284385, MedGen CN296401, MONDO:0017290.

Submission:

Genomenon, Inc
Classification: Uncertain significance for Familial intrahepatic cholestasis. Last evaluated: 2026-04-14. Review status: criteria provided, single submitter. Criteria: Genomenon Sequence Variant Interpretation Standards - Updated. Collection method: curation. Allele origin: germline. Affected: no.
Comment: ABCB11 p.Gln702His (c.2106G>C) is a missense variant that changes the amino acid at residue 702 from Glutamine to Histidine. This variant has been reported in the published literature (PMID:23279303). It is absent or not present at a significant frequency in gnomAD. In conclusion, we classify ABCB11 p.Gln702His (c.2106G>C) as a variant of uncertain significance.

Literature cited by the submitters: PubMed 23279303.